The following is an entry in ClinVar:

NM_000412.5(HRG):c.1173T>C (p.Pro391=)

Gene: HRG (histidine rich glycoprotein; plus strand). Cytogenetic location: 3q27.3.
Variant type: single nucleotide variant.
Coding change: c.1173T>C on transcript NM_000412.5 (MANE Select); coding-DNA position 1173, T replaced by C.
Protein change: p.Pro391=; no amino-acid change (proline 391 retained).
Molecular consequence: synonymous variant.
Genome position (GRCh38, 1-based): chr3:186,677,478, T>C. VCF-style: chr3-186677478-T-C. GRCh37 (hg19) VCF-style: chr3-186395267-T-C.
Identifiers: ClinVar variation 3055623 (VCV003055623.2), dbSNP rs533637172, ClinGen allele CA2745884.

ClinVar aggregate classification (germline): Likely benign (0 of 4 stars; one submission).

Conditions:
HRG-related disorder. Also called: HRG-related condition.

Allele frequency attached by ClinVar (database versions not stated): gnomAD 0.00001; ExAC 0.00003; gnomAD exomes 0.00003; 1000 Genomes Project 0.00040.
gnomAD v4.1: 46 of 1,590,314 alleles (0.0029%); highest among the groups gnomAD compares: Admixed American, 0.023%; 1 homozygote.

Submission:

PreventionGenetics, part of Exact Sciences
Classification: Likely benign for HRG-related condition. Last evaluated: 2019-04-30. Review status: no assertion criteria provided. Collection method: clinical testing. Allele origin: germline.
Comment: This variant is classified as likely benign based on ACMG/AMP sequence variant interpretation guidelines (Richards et al. 2015 PMID: 25741868, with internal and published modifications).